The following is an entry in ClinVar:

ClinVar aggregate classification (germline): Pathogenic (1 of 4 stars; one submission).

Conditions:
Argininosuccinate lyase deficiency. Also called: Argininosuccinic aciduria; ARGININOSUCCINIC ACID LYASE DEFICIENCY; ASL DEFICIENCY. Identifiers: Orphanet 23, MedGen C0268547, MONDO:0008815, OMIM 207900, HP:0025630.

Submission:

Labcorp Genetics (formerly Invitae), Labcorp
Classification: Pathogenic for Argininosuccinate lyase deficiency. Last evaluated: 2022-01-16. Review status: criteria provided, single submitter. Criteria: Invitae Variant Classification Sherloc (09022015). Collection method: clinical testing. Allele origin: germline.
Comment: This sequence change creates a premature translational stop signal (p.Gln326*) in the ASL gene. It is expected to result in an absent or disrupted protein product. Loss-of-function variants in ASL are known to be pathogenic (PMID: 2263616, 24166829). This variant is not present in population databases (gnomAD no frequency). This variant has not been reported in the literature in individuals affected with ASL-related conditions. For these reasons, this variant has been classified as Pathogenic.

Literature cited by the submitters: PubMed 2263616; PubMed 24166829.

NM_000048.4(ASL):c.976C>T (p.Gln326Ter)

Gene: ASL (argininosuccinate lyase; plus strand). Cytogenetic location: 7q11.21.
Variant type: single nucleotide variant.
Coding change: c.976C>T on transcript NM_000048.4 (MANE Select); coding-DNA position 976, C replaced by T.
Protein change: p.Gln326Ter; replaces glutamine 326 with a stop codon.
Molecular consequence: nonsense. On other transcripts: intron variant (1).
Genome position (GRCh38, 1-based): chr7:66,089,333, C>T. VCF-style: chr7-66089333-C-T. GRCh37 (hg19) VCF-style: chr7-65554320-C-T.
Other names: c.976C>T, p.Gln326Ter (NM_001024943.2); c.898C>T, p.Gln300Ter (NM_001024946.2); c.918+158C>T (NM_001024944.2); short protein forms Q300*, Q326*.
Identifiers: ClinVar variation 2085731 (VCV002085731.4), dbSNP rs398123129, ClinGen allele CA367646704.